The following is an entry in ClinVar:

NM_006005.3(WFS1):c.-264A>G

Gene: WFS1 (wolframin ER transmembrane glycoprotein; plus strand). Cytogenetic location: 4p16.1.
Variant type: single nucleotide variant.
Coding change: c.-264A>G on transcript NM_006005.3 (MANE Select); 264 bases upstream of the start codon, A replaced by G.
Genome position (GRCh38, 1-based): chr4:6,269,756, A>G. VCF-style: chr4-6269756-A-G. GRCh37 (hg19) VCF-style: chr4-6271483-A-G.
Identifiers: ClinVar variation 678993 (VCV000678993.3), dbSNP rs71537683, ClinGen allele CA91777674.

ClinVar aggregate classification (germline): Benign/Likely benign. Review status: criteria provided, multiple submitters, no conflicts (2 of 4 stars). 3 submissions from 3 submitters: Benign (1); Likely benign (2). Last evaluated 2018-06-14.

Conditions:
Wolfram syndrome 1 (WFS1). Identifiers: Orphanet 3463, MedGen C4551693, MONDO:0009101, OMIM 222300.

Allele frequency attached by ClinVar (database versions not stated): gnomAD 0.00411 and 0.00428; 1000 Genomes Project 0.00419; TOPMed 0.00425; 1000 Genomes Project 30x 0.00593.

Submissions (3):

GeneDx
Classification: Likely benign. Last evaluated: 2018-06-14. Review status: criteria provided, single submitter. Criteria: GeneDx Variant Classification (06012015). Collection method: clinical testing. Allele origin: germline. Affected: yes.
Comment: This variant is considered likely benign or benign based on one or more of the following criteria: it is a conservative change, it occurs at a poorly conserved position in the protein, it is predicted to be benign by multiple in silico algorithms, and/or has population frequency not consistent with disease.

Breakthrough Genomics
Classification: Likely benign. Review status: criteria provided, single submitter. Criteria: ACMG Guidelines, 2015. Collection method: not provided. Allele origin: germline. Inheritance: Autosomal recessive inheritance. Affected: yes.

Clinical Genomics, Uppaluri K&H Personalized Medicine Clinic
Classification: Benign for Wolfram syndrome 1. Review status: criteria provided, single submitter. Criteria: K & H Uppaluri Personalized Medicine Clinic Variant Classification & Assertion Criteria_Updated V.1. Collection method: research. Allele origin: unknown. Inheritance: Autosomal recessive inheritance.
Comment: Potent mutations in WFS1 gene are associated with Wolfram's syndrome, an autosomal recessive condition, which cause diabetes mellitus, diabetes insipidus, deafness and optic atrophy.However no sufficient evidence is found to ascertain the role of this particular variant rs71537683 yet.

Literature cited by the submitters: PubMed 20738327 (cited by Clinical Genomics, Uppaluri K&H Personalized Medicine Clinic); PubMed 33879153 (cited by Clinical Genomics, Uppaluri K&H Personalized Medicine Clinic); PubMed 12955714 (cited by Clinical Genomics, Uppaluri K&H Personalized Medicine Clinic); PubMed 18060660 (cited by Clinical Genomics, Uppaluri K&H Personalized Medicine Clinic); PubMed 20301750 (cited by Clinical Genomics, Uppaluri K&H Personalized Medicine Clinic); PubMed 17603484 (cited by Clinical Genomics, Uppaluri K&H Personalized Medicine Clinic).